The following is an entry in ClinVar:

NM_001105206.3(LAMA4):c.829G>A (p.Val277Ile)

Gene: LAMA4 (laminin subunit alpha 4; minus strand). Cytogenetic location: 6q21.
Variant type: single nucleotide variant.
Coding change: c.829G>A on transcript NM_001105206.3 (MANE Select); coding-DNA position 829, G replaced by A.
Protein change: p.Val277Ile; replaces valine 277 with isoleucine.
Molecular consequence: missense variant.
Genome position (GRCh38, 1-based): chr6:112,187,587, C>T on the plus strand (G>A on the coding strand, the complement: LAMA4 is on the minus strand). VCF-style: chr6-112187587-C-T. GRCh37 (hg19) VCF-style: chr6-112508789-C-T.
Other names: p.V270I:GTC>ATC; c.808G>A, p.Val270Ile (NM_001105207.3, NM_002290.5); c.808G>A (LRG_433t2); short protein forms V270I, V277I.
Identifiers: ClinVar variation 213581 (VCV000213581.16), dbSNP rs146225813, ClinGen allele CA324310.

ClinVar aggregate classification (germline): Conflicting classifications of pathogenicity. Review status: criteria provided, conflicting classifications (1 of 4 stars). 4 submissions from 4 submitters: Uncertain significance (3); Likely benign (1). Last evaluated 2025-07-22.

Conditions:
Cardiovascular phenotype. Identifiers: MedGen CN230736.
Dilated cardiomyopathy 1JJ (CMD1JJ). Identifiers: Orphanet 154, MedGen C3808935, MONDO:0014095, OMIM 615235.

Allele frequency attached by ClinVar (database versions not stated): ExAC 0.00005; gnomAD 0.00006; gnomAD exomes 0.00007; ESP Exome Variant Server 0.00008; TOPMed 0.00008.
gnomAD v4.1: 180 of 1,613,862 alleles (0.011%); highest among the groups gnomAD compares: Non-Finnish European, 0.014%; no homozygotes.

Submissions (4):

Labcorp Genetics (formerly Invitae), Labcorp
Classification: Uncertain significance for Dilated cardiomyopathy 1JJ. Last evaluated: 2025-07-22. Review status: criteria provided, single submitter. Criteria: Invitae Variant Classification Sherloc (09022015). Collection method: clinical testing. Allele origin: germline.
Comment: This sequence change replaces valine, which is neutral and non-polar, with isoleucine, which is neutral and non-polar, at codon 270 of the LAMA4 protein (p.Val270Ile). This variant is present in population databases (rs146225813, gnomAD 0.01%). This variant has not been reported in the literature in individuals affected with LAMA4-related conditions. ClinVar contains an entry for this variant (Variation ID: 213581). Invitae Evidence Modeling of protein sequence and biophysical properties (such as structural, functional, and spatial information, amino acid conservation, physicochemical variation, residue mobility, and thermodynamic stability) indicates that this missense variant is not expected to disrupt LAMA4 protein function with a negative predictive value of 80%. In summary, the available evidence is currently insufficient to determine the role of this variant in disease. Therefore, it has been classified as a Variant of Uncertain Significance.

GeneDx
Classification: Uncertain significance. Last evaluated: 2024-02-27. Review status: criteria provided, single submitter. Criteria: GeneDx Variant Classification Process June 2021. Collection method: clinical testing. Allele origin: germline. Affected: yes.
Comment: Has not been previously published as pathogenic or benign to our knowledge; In silico analysis supports that this missense variant does not alter protein structure/function

Ambry Genetics
Classification: Likely benign for Cardiovascular phenotype. Last evaluated: 2023-09-20. Review status: criteria provided, single submitter. Criteria: Ambry Variant Classification Scheme 2023. Collection method: clinical testing. Allele origin: germline.

Revvity Omics, Revvity
Classification: Uncertain significance for Dilated cardiomyopathy 1JJ. Last evaluated: 2020-06-09. Review status: criteria provided, single submitter. Criteria: ACMG Guidelines, 2015. Collection method: clinical testing. Allele origin: germline.